The following is an entry in ClinVar:

NM_033118.4(MYLK2):c.874G>A (p.Gly292Arg)

Gene: MYLK2 (myosin light chain kinase 2; plus strand). Cytogenetic location: 20q11.21.
Variant type: single nucleotide variant.
Coding change: c.874G>A on transcript NM_033118.4 (MANE Select); coding-DNA position 874, G replaced by A.
Protein change: p.Gly292Arg; replaces glycine 292 with arginine.
Molecular consequence: missense variant.
Genome position (GRCh38, 1-based): chr20:31,823,578, G>A. VCF-style: chr20-31823578-G-A. GRCh37 (hg19) VCF-style: chr20-30411381-G-A.
Other names: short protein forms G292R.
Identifiers: ClinVar variation 1505966 (VCV001505966.9), dbSNP rs1026490690, ClinGen allele CA408526570.

ClinVar aggregate classification (germline): Uncertain significance. Review status: criteria provided, multiple submitters, no conflicts (2 of 4 stars). 2 submissions from 2 submitters: Uncertain significance (2). Last evaluated 2022-01-24.

Conditions:
Hypertrophic cardiomyopathy 1 (CMH1). Also called: Familial hypertrophic cardiomyopathy 1; MYH7-Related Familial Hypertrophic Cardiomyopathy. Identifiers: MedGen C3495498, MONDO:0008647, OMIM 192600.

Allele frequency attached by ClinVar (database versions not stated): gnomAD 0.00001; gnomAD exomes 0.00001; TOPMed 0.00001.
gnomAD v4.1: 21 of 1,613,656 alleles (0.0013%); highest among the groups gnomAD compares: East Asian, 0.0022%; no homozygotes.

Submissions (2):

GeneDx
Classification: Uncertain significance. Last evaluated: 2022-01-24. Review status: criteria provided, single submitter. Criteria: GeneDx Variant Classification Process June 2021. Collection method: clinical testing. Allele origin: germline. Affected: yes.
Comment: Has not been previously published as pathogenic or benign to our knowledge; Not observed at significant frequency in large population cohorts (gnomAD); In silico analysis supports that this missense variant has a deleterious effect on protein structure/function

Labcorp Genetics (formerly Invitae), Labcorp
Classification: Uncertain significance for Hypertrophic cardiomyopathy 1. Last evaluated: 2021-07-26. Review status: criteria provided, single submitter. Criteria: Invitae Variant Classification Sherloc (09022015). Collection method: clinical testing. Allele origin: germline.
Comment: This variant is not present in population databases (ExAC no frequency). In summary, the available evidence is currently insufficient to determine the role of this variant in disease. Therefore, it has been classified as a Variant of Uncertain Significance. Algorithms developed to predict the effect of missense changes on protein structure and function (SIFT, PolyPhen-2, Align-GVGD) all suggest that this variant is likely to be disruptive, but these predictions have not been confirmed by published functional studies and their clinical significance is uncertain. This variant has not been reported in the literature in individuals with MYLK2-related conditions. This sequence change replaces glycine with arginine at codon 292 of the MYLK2 protein (p.Gly292Arg). The glycine residue is highly conserved and there is a moderate physicochemical difference between glycine and arginine.